The following is an entry in ClinVar:

NM_001985.3(ETFB):c.605AGA[3] (p.Lys205del)

Gene: ETFB (electron transfer flavoprotein subunit beta; minus strand). Cytogenetic location: 19q13.41.
Variant type: Microsatellite.
Coding change: c.605AGA[3] on transcript NM_001985.3 (MANE Select); three copies in a row of the 3-base unit AGA starting at c.605; the reference has four copies in a row; one copy, 3 bases deleted; also written c.614_616del.
Protein change: p.Lys205del; deletes lysine 205.
Molecular consequence: inframe deletion.
Genome position (GRCh38, 1-based): chr19:51,345,363-51,345,365, TCT deleted on the plus strand (AGA on the coding strand, the reverse complement: ETFB is on the minus strand); deleting any 3 consecutive bases within chr19:51,345,363-51,345,375 gives the same sequence; the position shown is the placement nearest the transcript's 3' end. VCF-style (leftmost placement, unchanged base first): chr19-51345362-ATCT-A. GRCh37 (hg19) VCF-style: chr19-51848616-ATCT-A.
Other names: p.Lys205del; c.878AGA[3], p.Lys296del (NM_001014763.1); c.614_616del (NM_001985.3); short protein forms K205del, K296del.
Identifiers: ClinVar variation 1419746 (VCV001419746.8), dbSNP rs767519060, ClinGen allele CA9610697.

ClinVar aggregate classification (germline): Uncertain significance. Review status: criteria provided, multiple submitters, no conflicts (2 of 4 stars). 3 submissions from 3 submitters: Uncertain significance (3). Last evaluated 2025-01-16.

Conditions:
Multiple acyl-CoA dehydrogenase deficiency (MADD). Also called: Glutaric aciduria, type 2; ETHYLMALONIC-ADIPICACIDURIA; GA II; Glutaric acidemia type II; GA 2; Glutaric Acidemia type 2. Identifiers: Orphanet 26791, MedGen C0268596, MONDO:0009282, OMIM 231680.

Submissions (3):

Mayo Clinic Laboratories, Mayo Clinic
Classification: Uncertain significance. Last evaluated: 2025-01-16. Review status: criteria provided, single submitter. Criteria: ACMG Guidelines, 2015. Collection method: clinical testing. Allele origin: germline. Observed: 2 variant alleles.
Comment: PM2_supporting, PM3, PM4

Labcorp Genetics (formerly Invitae), Labcorp
Classification: Uncertain significance for Multiple acyl-CoA dehydrogenase deficiency. Last evaluated: 2022-07-25. Review status: criteria provided, single submitter. Criteria: Invitae Variant Classification Sherloc (09022015). Collection method: clinical testing. Allele origin: germline.
Comment: This variant, c.614_616del, results in the deletion of 1 amino acid(s) of the ETFB protein (p.Lys205del), but otherwise preserves the integrity of the reading frame. This variant is present in population databases (rs767519060, gnomAD 0.02%). This variant has been observed in individual(s) with clinical features of multiple acyl-CoA dehydrogenase deficiency (PMID: 12706375). This variant is also known as p.K202del. Experimental studies and prediction algorithms are not available or were not evaluated, and the functional significance of this variant is currently unknown. In summary, the available evidence is currently insufficient to determine the role of this variant in disease. Therefore, it has been classified as a Variant of Uncertain Significance.

MGZ Medical Genetics Center
Classification: Uncertain significance for Multiple acyl-CoA dehydrogenase deficiency. Last evaluated: 2022-01-17. Review status: criteria provided, single submitter. Criteria: ACMG Guidelines, 2015. Collection method: clinical testing. Allele origin: germline. Affected: yes. Observed: 1 variant allele.
Comment: ACMG criteria applied: PM4, PM2_SUP

Literature cited by the submitters: PubMed 12706375 (cited by Mayo Clinic Laboratories, Mayo Clinic and Labcorp Genetics (formerly Invitae), Labcorp); PubMed 38535124 (cited by Mayo Clinic Laboratories, Mayo Clinic).